The following is an entry in ClinVar:

ClinVar aggregate classification (germline): Uncertain significance. Review status: criteria provided, multiple submitters, no conflicts (2 of 4 stars). 5 submissions from 5 submitters: Uncertain significance (4). 1 of the submissions does not count toward it. Last evaluated 2025-12-09.

Conditions:
Hereditary cancer-predisposing syndrome. Also called: Hereditary neoplastic syndrome; Neoplastic Syndromes, Hereditary; Tumor predisposition; Hereditary Cancer Syndrome. Identifiers: Orphanet 140162, MedGen C0027672, MeSH D009386, MONDO:0015356.
AXIN2-related disorder.
Colorectal cancer. Also called: Colorectal cancer, somatic; Malignant Colorectal Neoplasm. Identifiers: MedGen C0346629, MONDO:0005575, OMIM 114500.
Oligodontia-cancer predisposition syndrome. Also called: TOOTH AGENESIS-COLORECTAL CANCER SYNDROME. Identifiers: Orphanet 300576, MedGen C1837750, MONDO:0012075, OMIM 608615. Disease mechanism: loss of function.

Allele frequency attached by ClinVar (database versions not stated): gnomAD exomes below 0.00001 and 0.00001; TOPMed 0.00001.
gnomAD v4.1: 15 of 1,614,212 alleles (0.00093%); highest among the groups gnomAD compares: Non-Finnish European, 0.0012%; no homozygotes.

Submissions (5):

Labcorp Genetics (formerly Invitae), Labcorp
Classification: Uncertain significance for Oligodontia-cancer predisposition syndrome. Last evaluated: 2025-12-09. Review status: criteria provided, single submitter. Criteria: Invitae Variant Classification Sherloc (09022015). Collection method: clinical testing. Allele origin: germline.
Comment: This sequence change replaces arginine, which is basic and polar, with glycine, which is neutral and non-polar, at codon 724 of the AXIN2 protein (p.Arg724Gly). This variant is present in population databases (no rsID available, gnomAD 0.0009%). This variant has not been reported in the literature in individuals affected with AXIN2-related conditions. ClinVar contains an entry for this variant (Variation ID: 533156). Invitae Evidence Modeling of protein sequence and biophysical properties (such as structural, functional, and spatial information, amino acid conservation, physicochemical variation, residue mobility, and thermodynamic stability) indicates that this missense variant is not expected to disrupt AXIN2 protein function with a negative predictive value of 80%. In summary, the available evidence is currently insufficient to determine the role of this variant in disease. Therefore, it has been classified as a Variant of Uncertain Significance.

Ambry Genetics
Classification: Uncertain significance for Hereditary cancer-predisposing syndrome. Last evaluated: 2025-01-16. Review status: criteria provided, single submitter. Criteria: Ambry Variant Classification Scheme 2023. Collection method: clinical testing. Allele origin: germline.
Comment: The p.R724G variant (also known as c.2170A>G), located in coding exon 8 of the AXIN2 gene, results from an A to G substitution at nucleotide position 2170. The arginine at codon 724 is replaced by glycine, an amino acid with dissimilar properties. This amino acid position is well conserved in available vertebrate species. In addition, the in silico prediction for this alteration is inconclusive. Since supporting evidence is limited at this time, the clinical significance of this alteration remains unclear.

Baylor Genetics
Classification: Uncertain significance for Colorectal cancer. Last evaluated: 2024-01-10. Review status: criteria provided, single submitter. Criteria: ACMG Guidelines, 2015. Collection method: clinical testing. Allele origin: unknown.

Sema4
Classification: Uncertain significance for Hereditary cancer-predisposing syndrome. Last evaluated: 2021-12-16. Review status: criteria provided, single submitter. Criteria: Sema4 Curation Guidelines. Collection method: curation. Allele origin: germline.
Comment: The AXIN2 c.2170A>G (p.R724G) variant has not been reported in the literature to our knowledge. It was observed in 1/113688 chromosomes of the Non-Finnish European subpopulation in the large and broad cohorts of the Genome Aggregation Database (PMID: 32461654). This variant has been reported in ClinVar (Variation ID 533156). Functional studies have not been performed, and in silico predictions of the variant's effect on protein function are inconclusive. The evidence is insufficient to meet ACMG/AMP criteria for classifying the variant as benign or pathogenic. Thus, the clinical significance of this variant is currently uncertain.

PreventionGenetics, part of Exact Sciences
Classification: Uncertain significance for AXIN2-related condition. Last evaluated: 2024-03-09. Review status: no assertion criteria provided. Collection method: clinical testing. Allele origin: germline. Not counted in ClinVar's aggregate classification.
Comment: The AXIN2 c.2170A>G variant is predicted to result in the amino acid substitution p.Arg724Gly. To our knowledge, this variant has not been reported in the literature. This variant is reported in 0.00088% of alleles in individuals of European (Non-Finnish) descent in gnomAD. This variant is interpreted as a variant of uncertain significance in ClinVar. At this time, the clinical significance of this variant is uncertain due to the absence of conclusive functional and genetic evidence.

NM_004655.4(AXIN2):c.2170A>G (p.Arg724Gly)

Gene: AXIN2 (axin 2; minus strand). Cytogenetic location: 17q24.1.
Variant type: single nucleotide variant.
Coding change: c.2170A>G on transcript NM_004655.4 (MANE Select); coding-DNA position 2170, A replaced by G.
Protein change: p.Arg724Gly; replaces arginine 724 with glycine.
Molecular consequence: missense variant.
Genome position (GRCh38, 1-based): chr17:65,535,693, T>C on the plus strand (A>G on the coding strand, the complement: AXIN2 is on the minus strand). VCF-style: chr17-65535693-T-C. GRCh37 (hg19) VCF-style: chr17-63531811-T-C.
Other names: c.2170A>G (LRG_296t1); c.1975A>G, p.Arg659Gly (NM_001363813.1); short protein forms R724G, R659G.
Identifiers: ClinVar variation 533156 (VCV000533156.16), dbSNP rs1230715098, ClinGen allele CA400675824.